The following is an entry in ClinVar:

NM_006904.7(PRKDC):c.3347C>T (p.Ala1116Val)

Gene: PRKDC (protein kinase, DNA-activated, catalytic subunit; minus strand). Cytogenetic location: 8q11.21.
Variant type: single nucleotide variant.
Coding change: c.3347C>T on transcript NM_006904.7 (MANE Select); coding-DNA position 3347, C replaced by T.
Protein change: p.Ala1116Val; replaces alanine 1116 with valine.
Molecular consequence: missense variant.
Genome position (GRCh38, 1-based): chr8:47,900,390, G>A on the plus strand (C>T on the coding strand, the complement: PRKDC is on the minus strand). VCF-style: chr8-47900390-G-A. GRCh37 (hg19) VCF-style: chr8-48812950-G-A.
Other names: NC_000008.10:g.48812950G>A; c.3347C>T, p.Ala1116Val (NM_001081640.2); short protein forms A1116V.
Identifiers: ClinVar variation 3425305 (VCV003425305.2).

ClinVar aggregate classification (germline): Uncertain significance (1 of 4 stars; one submission).

gnomAD v4.1: 1 of 1,608,880 alleles (0.000062%); highest among the groups gnomAD compares: Non-Finnish European, 0.000085%; no homozygotes.

Submissions (2):

Ambry Genetics
Classification: Uncertain significance. Last evaluated: 2024-08-21. Review status: criteria provided, single submitter. Criteria: Ambry Variant Classification Scheme 2023. Collection method: clinical testing. Allele origin: germline.
Comment: The p.A1116V variant (also known as c.3347C>T), located in coding exon 28 of the PRKDC gene, results from a C to T substitution at nucleotide position 3347. The alanine at codon 1116 is replaced by valine, an amino acid with similar properties. This amino acid position is conserved. In addition, this alteration is predicted to be tolerated by in silico analysis. Based on the available evidence, the clinical significance of this variant remains unclear.

Dr. Peter K. Rogan Lab, Western University
No classification provided (evidence only). Condition: Thyroid cancer, nonmedullary, 1. Review status: no classification provided. Collection method: in vitro. Allele origin: not applicable. Functional consequence: retained intron. Not counted in ClinVar's aggregate classification.